The following is an entry in ClinVar:

NM_000203.5(IDUA):c.1014_1015insATGGCCGCGTAGG (p.Ser339delinsMetAlaAlaTer)

Gene: IDUA (alpha-L-iduronidase; plus strand). Cytogenetic location: 4p16.3.
Variant type: Insertion.
Coding change: c.1014_1015insATGGCCGCGTAGG on transcript NM_000203.5 (MANE Select); coding-DNA positions 1014 to 1015, ATGGCCGCGTAGG inserted.
Protein change: p.Ser339delinsMetAlaAlaTer.
Molecular consequence: nonsense. On other transcripts: non-coding transcript variant (1).
Genome position: GRCh38 VCF-style: chr4-1002310-C-CATGGCCGCGTAGG. GRCh37 (hg19) VCF-style: chr4-996098-C-CATGGCCGCGTAGG.
Other names: c.618_619insATGGCCGCGTAGG, p.Ser207delinsMetAlaAlaTer (NM_001363576.1).
Identifiers: ClinVar variation 1724512 (VCV001724512.2), dbSNP rs2534089061, ClinGen allele CA2580070662.
Genomic context (GRCh38, chr4:1,002,310, plus strand): 5'-CTGCCCTGGACACCCGCAGGTCATCGCGCAGCATCAGAACCTGCTACTGGCCAACACCAC[C>CATGGCCGCGTAGG]TCCGCCTTCCCCTACGCGCTCCTGAGCAACGACAATGCCTTCCTGAGCTACCACCCGCAC-3'

ClinVar aggregate classification (germline): Likely pathogenic (1 of 4 stars; one submission).

Conditions:
Mucopolysaccharidosis, MPS-I-H/S. Also called: Mucopolysaccharidosis type IH/S. Identifiers: Orphanet 93476, MedGen C0086431, MONDO:0011759, OMIM 607015.

Submission:

Myriad Genetics, Inc.
Classification: Likely pathogenic for Mucopolysaccharidosis, MPS-I-H/S. Last evaluated: 2022-02-17. Review status: criteria provided, single submitter. Criteria: Myriad Women's Health Autosomal Recessive and X-Linked Classification Criteria (2021). Collection method: clinical testing. Allele origin: unknown.
Comment: NM_000203.3(IDUA):c.1014_1015ins13(S339Mfs*4) is expected to be pathogenic in the context of mucopolysaccharidosis type I. This variant is predicted to lead to an abnormal or absent protein product due to the creation of a premature termination codon in IDUA, a gene where loss-of-function variants are known to be pathogenic. Please note: this variant was assessed in the context of healthy population screening.